The following is an entry in ClinVar:

NM_004517.4(ILK):c.230A>G (p.His77Arg)

Genes: ILK (integrin linked kinase; plus strand), TAF10 (TATA-box binding protein associated factor 10; minus strand). Cytogenetic location: 11p15.4.
Variant type: single nucleotide variant.
Coding change: c.230A>G on transcript NM_004517.4 (MANE Select); coding-DNA position 230, A replaced by G.
Protein change: p.His77Arg; replaces histidine 77 with arginine.
Molecular consequence: missense variant. On other transcripts: 3 prime UTR variant (1), intron variant (1).
Genome position (GRCh38, 1-based): chr11:6,608,186, A>G. VCF-style: chr11-6608186-A-G. GRCh37 (hg19) VCF-style: chr11-6629416-A-G.
Other names: c.230A>G, p.His77Arg (NM_001014794.3, NM_001014795.3, NM_001278441.2); c.*2736T>C (NM_006284.4); c.-147-208A>G (NM_001278442.2); short protein forms H77R.
Identifiers: ClinVar variation 1789403 (VCV001789403.3), dbSNP rs760982982, ClinGen allele CA217313333.
Genomic context (GRCh38, chr11:6,608,186, plus strand): 5'-GGGCACGGATCAATGTAATGAACCGTGGGGATGACACCCCCCTGCATCTGGCAGCCAGTC[A>G]TGGACACCGTGATATTGTACAGAAGGTACGTACAAACTCCTTCGTCATCCACATCACATA-3'
Protein context (NP_004508.1, residues 67-87): DDTPLHLAAS[His77Arg]GHRDIVQKLL

ClinVar aggregate classification (germline): Uncertain significance (1 of 4 stars; one submission).

Allele frequency attached by ClinVar (database versions not stated): gnomAD exomes below 0.00001; TOPMed 0.00001; gnomAD 0.00002.
gnomAD v4.1: 8 of 1,614,104 alleles (0.0005%); highest among the groups gnomAD compares: African/African-American, 0.0093%; no homozygotes.

Submission:

Ambry Genetics
Classification: Uncertain significance. Last evaluated: 2024-09-05. Review status: criteria provided, single submitter. Criteria: Ambry Variant Classification Scheme 2023. Collection method: clinical testing. Allele origin: germline.
Comment: The p.H77R variant (also known as c.230A>G), located in coding exon 2 of the ILK gene, results from an A to G substitution at nucleotide position 230. The histidine at codon 77 is replaced by arginine, an amino acid with highly similar properties. This amino acid position is conserved. In addition, the in silico prediction for this alteration is inconclusive. Since supporting evidence is limited at this time, the clinical significance of this alteration remains unclear.